The following is an entry in ClinVar:

ClinVar aggregate classification (germline): Benign (1 of 4 stars; one submission).

Allele frequency attached by ClinVar (database versions not stated): 1000 Genomes Project 30x 0.28248; 1000 Genomes Project 0.29093; TOPMed 0.32851; gnomAD 0.33565 and 0.33629.
gnomAD v4.1: 51,501 of 152,098 alleles (34%); highest among the groups gnomAD compares: Middle Eastern, 44%; 9,655 homozygotes.

Submission:

GeneDx
Classification: Benign. Last evaluated: 2018-06-19. Review status: criteria provided, single submitter. Criteria: GeneDx Variant Classification (06012015). Collection method: clinical testing. Allele origin: germline. Affected: yes.
Comment: This variant is considered likely benign or benign based on one or more of the following criteria: it is a conservative change, it occurs at a poorly conserved position in the protein, it is predicted to be benign by multiple in silico algorithms, and/or has population frequency not consistent with disease.

NM_006059.4(LAMC3):c.3070-297G>A

Gene: LAMC3 (laminin subunit gamma 3; plus strand). Cytogenetic location: 9q34.12.
Variant type: single nucleotide variant.
Coding change: c.3070-297G>A on transcript NM_006059.4 (MANE Select); 297 bases into the intron before coding-DNA position 3070, G replaced by A.
Molecular consequence: intron variant.
Genome position (GRCh38, 1-based): chr9:131,071,187, G>A. VCF-style: chr9-131071187-G-A. GRCh37 (hg19) VCF-style: chr9-133946574-G-A.
Identifiers: ClinVar variation 684044 (VCV000684044.1), dbSNP rs4740407, ClinGen allele CA12973162.